The following is an entry in ClinVar:

NM_013275.6(ANKRD11):c.5225C>T (p.Ser1742Leu)

Gene: ANKRD11 (ankyrin repeat domain 11; minus strand). Cytogenetic location: 16q24.3.
Variant type: single nucleotide variant.
Coding change: c.5225C>T on transcript NM_013275.6 (MANE Select); coding-DNA position 5225, C replaced by T.
Protein change: p.Ser1742Leu; replaces serine 1742 with leucine.
Molecular consequence: missense variant.
Genome position (GRCh38, 1-based): chr16:89,281,317, G>A on the plus strand (C>T on the coding strand, the complement: ANKRD11 is on the minus strand). VCF-style: chr16-89281317-G-A. GRCh37 (hg19) VCF-style: chr16-89347725-G-A.
Other names: c.5225C>T, p.Ser1742Leu (NM_001256182.2, NM_001256183.2); short protein forms S1742L.
Identifiers: ClinVar variation 4746677 (VCV004746677.1).
Genomic context (GRCh38, chr16:89,281,317, plus strand): 5'-TCGAAAAAGGAGGGGGAGCAGGCGCTGGTGGGAGCGGTGGGCACGGGCGTGGAGTGCTGC[G>A]AGTCGGCGCAGTCGAACACGAGGTCCGCGTAGTCATCGGCGCTGCAGGACGGGGTCCTGG-3'
Protein context (NP_037407.4, residues 1732-1752): YADLVFDCAD[Ser1742Leu]QHSTPVPTAP

ClinVar aggregate classification (germline): Uncertain significance (1 of 4 stars; one submission).

Conditions:
KBG syndrome (KBGS). Also called: ANKRD11-Related KBG Syndrome. Identifiers: Orphanet 2332, MedGen C0220687, MONDO:0007846, OMIM 148050.

gnomAD v4.1: 12 of 1,613,960 alleles (0.00074%); highest among the groups gnomAD compares: South Asian, 0.0011%; no homozygotes.

Submission:

Labcorp Genetics (formerly Invitae), Labcorp
Classification: Uncertain significance for KBG syndrome. Last evaluated: 2025-11-19. Review status: criteria provided, single submitter. Criteria: Invitae Variant Classification Sherloc (09022015). Collection method: clinical testing. Allele origin: germline.
Comment: This sequence change replaces serine, which is neutral and polar, with leucine, which is neutral and non-polar, at codon 1742 of the ANKRD11 protein (p.Ser1742Leu). This variant is present in population databases (rs759287339, gnomAD 0.003%). This variant has not been reported in the literature in individuals affected with ANKRD11-related conditions. Invitae Evidence Modeling of protein sequence and biophysical properties (such as structural, functional, and spatial information, amino acid conservation, physicochemical variation, residue mobility, and thermodynamic stability) indicates that this missense variant is not expected to disrupt ANKRD11 protein function with a negative predictive value of 95%. In summary, the available evidence is currently insufficient to determine the role of this variant in disease. Therefore, it has been classified as a Variant of Uncertain Significance.